The following is an entry in ClinVar:

ClinVar aggregate classification (germline): Pathogenic/Likely pathogenic. Review status: criteria provided, multiple submitters, no conflicts (2 of 4 stars). 3 submissions from 3 submitters: Pathogenic (2); Likely pathogenic (1). Last evaluated 2025-03-25.
ClinVar aggregate classification (somatic clinical impact): Tier I - Strong (1 of 4 stars; one submission).

Conditions:
Gastrointestinal stromal tumor. Also called: Gastrointestinal stromal tumor, somatic; Gastrointestinal stroma tumor. Identifiers: Orphanet 44890, MedGen C0238198, MeSH D046152, MONDO:0011719, OMIM 606764, HP:0100723.
Germinoma. Also called: Germinoma (disease). Identifiers: MedGen C0206660, MONDO:0002598, HP:0100620.

Submissions (8):

Labcorp Genetics (formerly Invitae), Labcorp
Classification: Pathogenic for Gastrointestinal stromal tumor. Last evaluated: 2025-03-25. Review status: criteria provided, single submitter. Criteria: Invitae Variant Classification Sherloc (09022015). Collection method: clinical testing. Allele origin: germline.
Comment: This sequence change replaces asparagine, which is neutral and polar, with lysine, which is basic and polar, at codon 822 of the KIT protein (p.Asn822Lys). This variant is not present in population databases (gnomAD no frequency). This missense change has been observed in individual(s) with gastrointestinal stromal tumors (internal data). ClinVar contains an entry for this variant (Variation ID: 375932). An algorithm developed to predict the effect of missense changes on protein structure and function (PolyPhen-2) suggests that this variant is likely to be disruptive. Experimental studies have shown that this missense change affects KIT function (PMID: 15790786, 17699867, 20890793, 21262832, 28506695). This variant disrupts the p.Asn822 amino acid residue in KIT. Other variant(s) that disrupt this residue have been observed in individuals with KIT-related conditions (PMID: 18724244, 21689725), which suggests that this may be a clinically significant amino acid residue. For these reasons, this variant has been classified as Pathogenic.

Institute for Genomic Medicine (IGM) Clinical Laboratory, Nationwide Children's Hospital
Classification: Tier I - Strong for Germinoma. Assertion type: diagnostic. Clinical significance: supports diagnosis. Last evaluated: 2025-02-20. Review status: criteria provided, single submitter. Criteria: AMP/ASCO/CAP Guidelines, 2017. Collection method: clinical testing. Allele origin: somatic. Affected: yes.
Comment: Variant has Tier I (strong) clinical significance as a diagnostic inclusion criterion in germinoma, based on the following evidence: 1) Documented in one or more cancer databases (e.g., St. Jude Pecan, COSMIC, CIViC, OncoKB). 2) Appears in one or more well-established professional guidelines (e.g., World Health Organization [WHO]; National Comprehensive Cancer Network [NCCN]) as providing diagnostic, prognostic, or therapeutic information. 3) Information in the literature supports potential biologic effect of variant (PMIDs: 21482694, 22614970, 17699867, 23840364, 15790786). 4) Diagnostic for a specific tumor type/classification based on well-powered studies with expert-level consensus (Evidence Level B; PMIDs: 24452629, 24896186, 27391150).

GeneDx
Classification: Likely pathogenic. Last evaluated: 2023-08-17. Review status: criteria provided, single submitter. Criteria: GeneDx Variant Classification Process June 2021. Collection method: clinical testing. Allele origin: germline. Affected: yes.
Comment: Published functional studies demonstrate a damaging effect: increased cellular proliferation and phosphorylation in vitro and hyperplasia of intestinal cells on a mouse model (Omori et al., 2017; Klein-Rodewald et al., 2022); Not observed at significant frequency in large population cohorts (gnomAD); In silico analysis supports that this missense variant has a deleterious effect on protein structure/function; This variant is associated with the following publications: (PMID: 25157968, 21642685, 17699867, 15685537, 36125067, 35563085, 35194937, 32477598, 26316776, 28506695, 36396684, 31785789, 22932406, 23149070, 36779523, 31217744, 24897507)

Clinical Genetics and Genomics, Karolinska University Hospital
Classification: Pathogenic. Last evaluated: 2015-01-08. Review status: criteria provided, single submitter. Criteria: ACMG Guidelines, 2015. Collection method: clinical testing. Allele origin: unknown. Affected: yes. Observed: 1 variant allele.

Dr. Peter K. Rogan Lab, Western University
No classification provided (evidence only). Condition: Melanoma. Review status: no classification provided. Collection method: in vitro. Allele origin: not applicable. Functional consequence: retained intron. Not counted in ClinVar's aggregate classification.

Dr. Peter K. Rogan Lab, Western University
No classification provided (evidence only). Condition: Acute myeloid leukemia. Review status: no classification provided. Collection method: in vitro. Allele origin: not applicable. Functional consequence: retained intron. Not counted in ClinVar's aggregate classification.

Dr. Peter K. Rogan Lab, Western University
No classification provided (evidence only). Condition: Squamous cell lung carcinoma. Review status: no classification provided. Collection method: in vitro. Allele origin: not applicable. Functional consequence: retained intron. Not counted in ClinVar's aggregate classification.

Dr. Peter K. Rogan Lab, Western University
No classification provided (evidence only). Condition: Germ cell tumor of testis. Review status: no classification provided. Collection method: in vitro. Allele origin: not applicable. Functional consequence: retained intron. Not counted in ClinVar's aggregate classification.

Literature cited by the submitters: PubMed 15790786 (cited by Labcorp Genetics (formerly Invitae), Labcorp and Institute for Genomic Medicine (IGM) Clinical Laboratory, Nationwide Children's Hospital); PubMed 17699867 (cited by Labcorp Genetics (formerly Invitae), Labcorp and Institute for Genomic Medicine (IGM) Clinical Laboratory, Nationwide Children's Hospital); PubMed 20890793 (cited by Labcorp Genetics (formerly Invitae), Labcorp); PubMed 21262832 (cited by Labcorp Genetics (formerly Invitae), Labcorp); PubMed 28506695 (cited by Labcorp Genetics (formerly Invitae), Labcorp); PubMed 18724244 (cited by Labcorp Genetics (formerly Invitae), Labcorp); PubMed 21689725 (cited by Labcorp Genetics (formerly Invitae), Labcorp); PubMed 21482694 (cited by Institute for Genomic Medicine (IGM) Clinical Laboratory, Nationwide Children's Hospital); PubMed 22614970 (cited by Institute for Genomic Medicine (IGM) Clinical Laboratory, Nationwide Children's Hospital); PubMed 23840364 (cited by Institute for Genomic Medicine (IGM) Clinical Laboratory, Nationwide Children's Hospital); PubMed 24452629 (cited by Institute for Genomic Medicine (IGM) Clinical Laboratory, Nationwide Children's Hospital); PubMed 24896186 (cited by Institute for Genomic Medicine (IGM) Clinical Laboratory, Nationwide Children's Hospital); PubMed 27391150 (cited by Institute for Genomic Medicine (IGM) Clinical Laboratory, Nationwide Children's Hospital).

NM_000222.3(KIT):c.2466T>G (p.Asn822Lys)

Gene: KIT (KIT proto-oncogene, receptor tyrosine kinase; plus strand). Cytogenetic location: 4q12.
Variant type: single nucleotide variant.
Coding change: c.2466T>G on transcript NM_000222.3 (MANE Select); coding-DNA position 2466, T replaced by G.
Protein change: p.Asn822Lys; replaces asparagine 822 with lysine.
Molecular consequence: missense variant.
Genome position (GRCh38, 1-based): chr4:54,733,174, T>G. VCF-style: chr4-54733174-T-G. GRCh37 (hg19) VCF-style: chr4-55599340-T-G.
Other names: c.2466T>G (NM_000222.2); c.2454T>G, p.Asn818Lys (NM_001093772.2, NM_001385292.1); c.2469T>G, p.Asn823Lys (NM_001385284.1); c.2463T>G, p.Asn821Lys (NM_001385285.1); c.2451T>G, p.Asn817Lys (NM_001385286.1); c.2457T>G, p.Asn819Lys (NM_001385288.1); c.2466T>G, p.Asn822Lys (NM_001385290.1); short protein forms N822K, N818K, N817K, N819K, N821K, N823K.
Identifiers: ClinVar variation 375932 (VCV000375932.8), dbSNP rs121913514, ClinGen allele CA16602412.